The following is an entry in ClinVar:

NM_198252.3(GSN):c.524A>G (p.Gln175Arg)

Gene: GSN (gelsolin; plus strand). Cytogenetic location: 9q33.2.
Variant type: single nucleotide variant.
Coding change: c.524A>G on transcript NM_198252.3 (MANE Select); coding-DNA position 524, A replaced by G.
Protein change: p.Gln175Arg; replaces glutamine 175 with arginine.
Molecular consequence: missense variant. On other transcripts: 5 prime UTR variant (1).
Genome position (GRCh38, 1-based): chr9:121,312,349, A>G. VCF-style: chr9-121312349-A-G. GRCh37 (hg19) VCF-style: chr9-124074627-A-G.
Other names: c.677A>G, p.Gln226Arg (NM_000177.5); c.524A>G, p.Gln175Arg (NM_001127662.2, NM_001127664.2, NM_001127665.2 and 10 more transcripts); c.632A>G, p.Gln211Arg (NM_001127663.2); c.557A>G, p.Gln186Arg (NM_001127666.2, NM_001127667.2, NM_001353063.2 and 13 more transcripts); c.575A>G, p.Gln192Arg (NM_001258029.2); c.548A>G, p.Gln183Arg (NM_001258030.2); c.596A>G, p.Gln199Arg (NM_001353076.2); c.-131A>G (NM_001353078.2); short protein forms Q175R, Q183R, Q186R, Q192R, Q199R, Q211R, Q226R.
Identifiers: ClinVar variation 1313601 (VCV001313601.2), dbSNP rs1016283058, ClinGen allele CA199409038.

ClinVar aggregate classification (germline): Uncertain significance (1 of 4 stars; one submission).

Submission:

GeneDx
Classification: Uncertain significance. Last evaluated: 2020-10-21. Review status: criteria provided, single submitter. Criteria: GeneDx Variant Classification Process June 2021. Collection method: clinical testing. Allele origin: germline. Affected: yes.
Comment: Not observed in large population cohorts (Lek et al., 2016); In silico analysis supports that this missense variant has a deleterious effect on protein structure/function; Has not been previously published as pathogenic or benign to our knowledge